The following is an entry in ClinVar:

NM_024642.5(GALNT12):c.1654A>C (p.Arg552=)

Gene: GALNT12 (polypeptide N-acetylgalactosaminyltransferase 12; plus strand). Cytogenetic location: 9q22.33.
Variant type: single nucleotide variant.
Coding change: c.1654A>C on transcript NM_024642.5 (MANE Select); coding-DNA position 1654, A replaced by C.
Protein change: p.Arg552=; no amino-acid change (arginine 552 retained).
Molecular consequence: synonymous variant.
Genome position (GRCh38, 1-based): chr9:98,849,000, A>C. VCF-style: chr9-98849000-A-C. GRCh37 (hg19) VCF-style: chr9-101611282-A-C.
Identifiers: ClinVar variation 4875741 (VCV004875741.1).

ClinVar aggregate classification (germline): Benign (1 of 4 stars; one submission).

Conditions:
Colorectal cancer, susceptibility to, 1. Also called: COLORECTAL ADENOMA AND CANCER, SUSCEPTIBILITY TO; COLORECTAL CANCER, SUSCEPTIBILITY TO, ON CHROMOSOME 9. Identifiers: MedGen C1837315, MONDO:0012132, OMIM 608812.

Submission:

Myriad Genetics, Inc.
Classification: Benign for Colorectal cancer, susceptibility to, 1. Last evaluated: 2026-04-27. Review status: criteria provided, single submitter. Criteria: Myriad Autosomal Dominant, Autosomal Recessive and X-Linked Classification Criteria (2023). Collection method: clinical testing. Allele origin: unknown.
Comment: This variant is considered benign. This variant is a silent/synonymous amino acid change and it is not expected to impact splicing.